The following is an entry in ClinVar:

ClinVar aggregate classification (germline): Uncertain significance (1 of 4 stars; one submission).

Conditions:
Hypertrophic cardiomyopathy. Also called: HYPERTROPHIC MYOCARDIOPATHY. Identifiers: Orphanet 217569, MedGen C0007194, MeSH D002312, MONDO:0005045, HP:0001639.

Submission:

Labcorp Genetics (formerly Invitae), Labcorp
Classification: Uncertain significance for Hypertrophic cardiomyopathy. Last evaluated: 2025-06-27. Review status: criteria provided, single submitter. Criteria: Invitae Variant Classification Sherloc (09022015). Collection method: clinical testing. Allele origin: germline.
Comment: This sequence change replaces threonine, which is neutral and polar, with alanine, which is neutral and non-polar, at codon 1197 of the MYBPC3 protein (p.Thr1197Ala). This variant is not present in population databases (gnomAD no frequency). This variant has not been reported in the literature in individuals affected with MYBPC3-related conditions. An algorithm developed to predict the effect of missense changes on protein structure and function (PolyPhen-2) suggests that this variant is likely to be tolerated. In summary, the available evidence is currently insufficient to determine the role of this variant in disease. Therefore, it has been classified as a Variant of Uncertain Significance.

NM_000256.3(MYBPC3):c.3589A>G (p.Thr1197Ala)

Gene: MYBPC3 (myosin binding protein C3; minus strand). Cytogenetic location: 11p11.2.
Variant type: single nucleotide variant.
Coding change: c.3589A>G on transcript NM_000256.3 (MANE Select); coding-DNA position 3589, A replaced by G.
Protein change: p.Thr1197Ala; replaces threonine 1197 with alanine.
Molecular consequence: missense variant.
Genome position (GRCh38, 1-based): chr11:47,332,604, T>C on the plus strand (A>G on the coding strand, the complement: MYBPC3 is on the minus strand). VCF-style: chr11-47332604-T-C. GRCh37 (hg19) VCF-style: chr11-47354155-T-C.
Other names: short protein forms T1197A.
Identifiers: ClinVar variation 4704895 (VCV004704895.1).